The following is an entry in ClinVar:

NM_001378120.1(MBD5):c.4873C>A (p.Gln1625Lys)

Gene: MBD5 (methyl-CpG binding domain protein 5; plus strand). Cytogenetic location: 2q23.1.
Variant type: single nucleotide variant.
Coding change: c.4873C>A on transcript NM_001378120.1 (MANE Select); coding-DNA position 4873, C replaced by A.
Protein change: p.Gln1625Lys; replaces glutamine 1625 with lysine.
Molecular consequence: missense variant.
Genome position (GRCh38, 1-based): chr2:148,490,505, C>A. VCF-style: chr2-148490505-C-A. GRCh37 (hg19) VCF-style: chr2-149248074-C-A.
Other names: c.4174C>A, p.Gln1392Lys (NM_018328.5); short protein forms Q1392K, Q1625K.
Identifiers: ClinVar variation 2577822 (VCV002577822.2), dbSNP rs1323925344, ClinGen allele CA348731801.
Genomic context (GRCh38, chr2:148,490,505, plus strand): 5'-TCAAATGAATTGATACATTATAGACCAAGGACGTTCAATGTTGGCGACTTGGTCTGGGGC[C>A]AAATCAAAGGACTGACTTCCTGGCCTGGAAAATTAGTAAGAGAAGACGACGTTCACAATT-3'
Protein context (NP_001365049.1, residues 1615-1635): TFNVGDLVWG[Gln1625Lys]IKGLTSWPGK

ClinVar aggregate classification (germline): Uncertain significance (1 of 4 stars; one submission).

Allele frequency attached by ClinVar (database versions not stated): gnomAD exomes below 0.00001.

Submission:

GeneDx
Classification: Uncertain significance. Last evaluated: 2024-02-25. Review status: criteria provided, single submitter. Criteria: GeneDx Variant Classification Process June 2021. Collection method: clinical testing. Allele origin: germline.
Comment: Not observed at significant frequency in large population cohorts (gnomAD); In silico analysis supports that this missense variant does not alter protein structure/function; Has not been previously published as pathogenic or benign to our knowledge